The following is an entry in ClinVar:

NM_033305.3(VPS13A):c.4834_4836delinsT (p.Pro1612fs)

Gene: VPS13A (vacuolar protein sorting 13 homolog A; plus strand). Cytogenetic location: 9q21.2.
Variant type: Indel.
Coding change: c.4834_4836delinsT on transcript NM_033305.3 (MANE Select); coding-DNA positions 4834 to 4836, CCA replaced by T.
Protein change: p.Pro1612fs; shifts the reading frame from proline 1612.
Molecular consequence: frameshift variant.
Genome position (GRCh38, 1-based): chr9:77,316,377-77,316,379, CCA replaced by T. VCF-style: chr9-77316377-CCA-T. GRCh37 (hg19) VCF-style: chr9-79931293-CCA-T.
Other names: c.4717_4719delinsT, p.Pro1573fs (NM_001018037.2); c.4834_4836delinsT, p.Pro1612fs (NM_001018038.3, NM_015186.4); short protein forms P1573fs, P1612fs.
Identifiers: ClinVar variation 5010403 (VCV005010403.1).

ClinVar aggregate classification (germline): Pathogenic (1 of 4 stars; one submission).

Conditions:
VPS13A-related neurodegenerative disease. Also called: ACANTHOCYTOSIS WITH NEUROLOGIC DISORDER; LEVINE-CRITCHLEY SYNDROME; Choreoacanthocytosis; Chorea-acanthocytosis; Choreaacanthocytosis; VPS13A Disease. Identifiers: Orphanet 2388, MedGen C0393576, MONDO:0008695, OMIM 200150.

Submission:

Myriad Genetics, Inc.
Classification: Pathogenic for VPS13A-related neurodegenerative disease. Last evaluated: 2024-05-14. Review status: criteria provided, single submitter. Criteria: Myriad Autosomal Dominant, Autosomal Recessive and X-Linked Classification Criteria (2023). Collection method: clinical testing. Allele origin: unknown.
Comment: NM_033305.2(VPS13A):c.4834_4836delCCAinsT(P1612Cfs*15) is expected to be pathogenic in the context of VPS13A disease. This variant is predicted to lead to an abnormal or absent protein product due to the creation of a premature termination codon in VPS13A, a gene where loss-of-function variants are known to be pathogenic. Please note: this variant was assessed in the context of healthy population screening.